The following is an entry in ClinVar:

ClinVar aggregate classification (germline): Benign. Review status: criteria provided, multiple submitters, no conflicts (2 of 4 stars). 5 submissions from 5 submitters: Benign (5). Last evaluated 2026-02-02.

Conditions:
Hyperkalemic periodic paralysis. Also called: Gamstorp disease; Familial hyperkalemic periodic paralysis. Identifiers: Orphanet 682, MedGen C0238357, MONDO:0008224, OMIM 170500, HP:0007215.

Allele frequency attached by ClinVar (database versions not stated): gnomAD exomes 0.00038 and 0.00111; ExAC 0.00153; ESP Exome Variant Server 0.00383; gnomAD 0.00444 and 0.00467; TOPMed 0.00513; 1000 Genomes Project 0.00539; 1000 Genomes Project 30x 0.00547.

Submissions (5):

Labcorp Genetics (formerly Invitae), Labcorp
Classification: Benign for Hyperkalemic periodic paralysis. Last evaluated: 2026-02-02. Review status: criteria provided, single submitter. Criteria: Invitae Variant Classification Sherloc (09022015). Collection method: clinical testing. Allele origin: germline.

Mayo Clinic Laboratories, Mayo Clinic
Classification: Benign. Last evaluated: 2025-01-28. Review status: criteria provided, single submitter. Criteria: ACMG Guidelines, 2015. Collection method: clinical testing. Allele origin: germline. Observed: 1 variant allele.
Comment: BS1, BS2

Athena Diagnostics
Classification: Benign. Last evaluated: 2023-11-16. Review status: criteria provided, single submitter. Criteria: Athena Diagnostics Criteria. Collection method: clinical testing. Allele origin: unknown.

GeneDx
Classification: Benign. Last evaluated: 2017-08-17. Review status: criteria provided, single submitter. Criteria: GeneDx Variant Classification (06012015). Collection method: clinical testing. Allele origin: germline. Affected: yes.
Comment: This variant is considered likely benign or benign based on one or more of the following criteria: it is a conservative change, it occurs at a poorly conserved position in the protein, it is predicted to be benign by multiple in silico algorithms, and/or has population frequency not consistent with disease.

Breakthrough Genomics
Classification: Benign. Review status: criteria provided, single submitter. Criteria: ACMG Guidelines, 2015. Collection method: not provided. Allele origin: germline. Inheritance: Autosomal recessive inheritance. Affected: yes.

NM_000334.4(SCN4A):c.404T>C (p.Met135Thr)

Gene: SCN4A (sodium voltage-gated channel alpha subunit 4; minus strand). Cytogenetic location: 17q23.3.
Variant type: single nucleotide variant.
Coding change: c.404T>C on transcript NM_000334.4 (MANE Select); coding-DNA position 404, T replaced by C.
Protein change: p.Met135Thr; replaces methionine 135 with threonine.
Molecular consequence: missense variant.
Genome position (GRCh38, 1-based): chr17:63,972,214, A>G on the plus strand (T>C on the coding strand, the complement: SCN4A is on the minus strand). VCF-style: chr17-63972214-A-G. GRCh37 (hg19) VCF-style: chr17-62049574-A-G.
Other names: p.Met135Thr; short protein forms M135T.
Identifiers: ClinVar variation 477420 (VCV000477420.23), dbSNP rs115304957, ClinGen allele CA8710163.